The following is an entry in ClinVar:

NM_001376.5(DYNC1H1):c.2376C>T (p.Cys792=)

Gene: DYNC1H1 (dynein cytoplasmic 1 heavy chain 1; plus strand). Cytogenetic location: 14q32.31.
Variant type: single nucleotide variant.
Coding change: c.2376C>T on transcript NM_001376.5 (MANE Select); coding-DNA position 2376, C replaced by T.
Protein change: p.Cys792=; no amino-acid change (cysteine 792 retained).
Molecular consequence: synonymous variant.
Genome position (GRCh38, 1-based): chr14:101,986,601, C>T. VCF-style: chr14-101986601-C-T. GRCh37 (hg19) VCF-style: chr14-102452938-C-T.
Identifiers: ClinVar variation 516911 (VCV000516911.26), dbSNP rs35092963, ClinGen allele CA7351807.

ClinVar aggregate classification (germline): Conflicting classifications of pathogenicity. Review status: criteria provided, conflicting classifications (1 of 4 stars). 7 submissions from 6 submitters: Uncertain significance (3); Likely benign (3). 1 of the submissions does not count toward it. Last evaluated 2025-12-28.

Conditions:
Inborn genetic diseases. Identifiers: MedGen C0950123, MeSH D030342.
Charcot-Marie-Tooth disease axonal type 2O. Also called: CHARCOT-MARIE-TOOTH NEUROPATHY, AXONAL, TYPE 2O; CHARCOT-MARIE-TOOTH DISEASE, AXONAL, AUTOSOMAL DOMINANT, TYPE 2O; Charcot-Marie-Tooth Neuropathy Type 2O; Charcot-Marie-Tooth disease, axonal, type 20. Identifiers: Orphanet 284232, MedGen C3280220, MONDO:0013644, OMIM 614228.
DYNC1H1-related disorder. Also called: DYNC1H1-related condition; DYNC1H1-related disorders. Identifiers: MedGen CN381529.
Autosomal dominant cerebellar ataxia. Also called: Spinocerebellar Ataxia, Dominant. Identifiers: Orphanet 99, MedGen C4087347, MONDO:0020380.
Autosomal dominant childhood-onset proximal spinal muscular atrophy without contractures. Also called: Spinal muscular atrophy, lower extremity-predominant 1, AD; SPINAL MUSCULAR ATROPHY, CHILDHOOD, PROXIMAL, AUTOSOMAL DOMINANT; SPINAL MUSCULAR ATROPHY, JUVENILE, PROXIMAL, AUTOSOMAL DOMINANT; KUGELBERG-WELANDER SYNDROME, AUTOSOMAL DOMINANT. Identifiers: Orphanet 209341, Orphanet 363447, MedGen C5780022, MONDO:0008026, OMIM 158600.
Cortical dysplasia, complex, with other brain malformations 13. Also called: Intellectual disability, autosomal dominant 13. Identifiers: MedGen C3281202, MONDO:0013805, OMIM 614563.

Allele frequency attached by ClinVar (database versions not stated): gnomAD 0.00007; gnomAD exomes 0.00007 and 0.00009; TOPMed 0.00008; ExAC 0.00012; ESP Exome Variant Server 0.00023.
gnomAD v4.1: 110 of 1,613,118 alleles (0.0068%); highest among the groups gnomAD compares: Middle Eastern, 0.033%; no homozygotes.

Submissions (7):

Labcorp Genetics (formerly Invitae), Labcorp
Classification: Likely benign for Charcot-Marie-Tooth disease axonal type 2O. Last evaluated: 2025-12-28. Review status: criteria provided, single submitter. Criteria: Invitae Variant Classification Sherloc (09022015). Collection method: clinical testing. Allele origin: germline.

Illumina Laboratory Services, Illumina
Classification: Uncertain significance for Charcot-Marie-Tooth disease axonal type 2O. Last evaluated: 2018-01-12. Review status: criteria provided, single submitter. Criteria: ICSL Variant Classification Criteria 13 December 2019. Collection method: clinical testing. Allele origin: germline.

Illumina Laboratory Services, Illumina
Classification: Uncertain significance for Spinocerebellar Ataxia, Dominant. Last evaluated: 2018-01-12. Review status: criteria provided, single submitter. Criteria: ICSL Variant Classification Criteria 13 December 2019. Collection method: clinical testing. Allele origin: germline.

GeneDx
Classification: Likely benign. Last evaluated: 2017-06-16. Review status: criteria provided, single submitter. Criteria: GeneDx Variant Classification (06012015). Collection method: clinical testing. Allele origin: germline. Affected: yes.
Comment: This variant is considered likely benign or benign based on one or more of the following criteria: it is a conservative change, it occurs at a poorly conserved position in the protein, it is predicted to be benign by multiple in silico algorithms, and/or has population frequency not consistent with disease.

Ambry Genetics
Classification: Likely benign for Inborn genetic diseases. Last evaluated: 2017-04-26. Review status: criteria provided, single submitter. Criteria: Ambry Variant Classification Scheme 2023. Collection method: clinical testing. Allele origin: germline.

Center for Genomics, Ann and Robert H. Lurie Children's Hospital of Chicago
Classification: Uncertain significance for Charcot-Marie-Tooth disease axonal type 2O; Autosomal dominant childhood-onset proximal spinal muscular atrophy without contractures; Cortical dysplasia, complex, with other brain malformations 13. Review status: criteria provided, single submitter. Criteria: ACMG Guidelines, 2015. Collection method: clinical testing. Allele origin: germline.
Comment: DYNC1H1 NM_001376.4 exon 8 p.Cys792= (c.2376C>T): This variant has not been reported in the literature but is present in 9/30776 South Asian alleles in the Genome Aggregation Database. This variant is present in ClinVar (Variation ID:516911). Evolutionary conservation and computational predictive tools for this variant are limited or unavailable. Of note, this variant is a silent variant and does not change the amino acid, reducing the probability that this variant is disease causing. In summary, data on this variant is insufficient for disease classification. Therefore, the clinical significance of this variant is uncertain.

PreventionGenetics, part of Exact Sciences
Classification: Likely benign for DYNC1H1-related condition. Last evaluated: 2019-07-11. Review status: no assertion criteria provided. Collection method: clinical testing. Allele origin: germline. Not counted in ClinVar's aggregate classification.
Comment: This variant is classified as likely benign based on ACMG/AMP sequence variant interpretation guidelines (Richards et al. 2015 PMID: 25741868, with internal and published modifications).